The following is an entry in ClinVar:

ClinVar aggregate classification (germline): Uncertain significance. Review status: criteria provided, multiple submitters, no conflicts (2 of 4 stars). 2 submissions from 2 submitters: Uncertain significance (2). Last evaluated 2025-09-21.

Allele frequency attached by ClinVar (database versions not stated): gnomAD 0.00001; TOPMed 0.00002; gnomAD exomes 0.00007; ExAC 0.00011.
gnomAD v4.1: 20 of 1,611,776 alleles (0.0012%); highest among the groups gnomAD compares: Admixed American, 0.03%; no homozygotes.

Submissions (2):

Labcorp Genetics (formerly Invitae), Labcorp
Classification: Uncertain significance. Last evaluated: 2025-09-21. Review status: criteria provided, single submitter. Criteria: Invitae Variant Classification Sherloc (09022015). Collection method: clinical testing. Allele origin: germline.
Comment: This sequence change replaces proline, which is neutral and non-polar, with serine, which is neutral and polar, at codon 330 of the MMP9 protein (p.Pro330Ser). This variant is present in population databases (rs777952347, gnomAD 0.04%). This variant has not been reported in the literature in individuals affected with MMP9-related conditions. ClinVar contains an entry for this variant (Variation ID: 1490431). Invitae Evidence Modeling of protein sequence and biophysical properties (such as structural, functional, and spatial information, amino acid conservation, physicochemical variation, residue mobility, and thermodynamic stability) indicates that this missense variant is expected to disrupt MMP9 protein function with a positive predictive value of 80%. In summary, the available evidence is currently insufficient to determine the role of this variant in disease. Therefore, it has been classified as a Variant of Uncertain Significance.

Ambry Genetics
Classification: Uncertain significance. Last evaluated: 2025-08-08. Review status: criteria provided, single submitter. Criteria: Ambry Variant Classification Scheme 2023. Collection method: clinical testing. Allele origin: germline.

NM_004994.3(MMP9):c.988C>T (p.Pro330Ser)

Gene: MMP9 (matrix metallopeptidase 9; plus strand). Cytogenetic location: 20q13.12.
Variant type: single nucleotide variant.
Coding change: c.988C>T on transcript NM_004994.3 (MANE Select); coding-DNA position 988, C replaced by T.
Protein change: p.Pro330Ser; replaces proline 330 with serine.
Molecular consequence: missense variant.
Genome position (GRCh38, 1-based): chr20:46,011,738, C>T. VCF-style: chr20-46011738-C-T. GRCh37 (hg19) VCF-style: chr20-44640377-C-T.
Other names: c.988C>T (NM_004994.2); short protein forms P330S.
Identifiers: ClinVar variation 1490431 (VCV001490431.7), dbSNP rs777952347, ClinGen allele CA9886577.